The following is an entry in ClinVar:

NM_001393530.1(MATN4):c.1311C>T (p.Ser437=)

Gene: MATN4 (matrilin 4; minus strand). Cytogenetic location: 20q13.12.
Variant type: single nucleotide variant.
Coding change: c.1311C>T on transcript NM_001393530.1 (MANE Select); coding-DNA position 1311, C replaced by T.
Protein change: p.Ser437=; no amino-acid change (serine 437 retained).
Molecular consequence: synonymous variant.
Genome position (GRCh38, 1-based): chr20:45,298,285, G>A on the plus strand (C>T on the coding strand, the complement: MATN4 is on the minus strand). VCF-style: chr20-45298285-G-A. GRCh37 (hg19) VCF-style: chr20-43926925-G-A.
Other names: c.1311C>T, p.Ser437= (NM_001393531.1, NM_003833.5); c.1188C>T, p.Ser396= (NM_030590.4); c.1065C>T, p.Ser355= (NM_030592.4).
Identifiers: ClinVar variation 3044089 (VCV003044089.2), dbSNP rs774688188, ClinGen allele CA9875981.

ClinVar aggregate classification (germline): Likely benign (0 of 4 stars; one submission).

Conditions:
MATN4-related disorder. Also called: MATN4-related condition.

Allele frequency attached by ClinVar (database versions not stated): ExAC 0.00001; gnomAD 0.00001; TOPMed 0.00004; gnomAD exomes 0.00009.
gnomAD v4.1: 124 of 1,613,276 alleles (0.0077%); highest among the groups gnomAD compares: Non-Finnish European, 0.01%; no homozygotes.

Submission:

PreventionGenetics, part of Exact Sciences
Classification: Likely benign for MATN4-related condition. Last evaluated: 2019-06-04. Review status: no assertion criteria provided. Collection method: clinical testing. Allele origin: germline.
Comment: This variant is classified as likely benign based on ACMG/AMP sequence variant interpretation guidelines (Richards et al. 2015 PMID: 25741868, with internal and published modifications).